The following is an entry in ClinVar:

NM_017849.4(TMEM127):c.171C>T (p.His57=)

Gene: TMEM127 (transmembrane protein 127; minus strand). Cytogenetic location: 2q11.2.
Variant type: single nucleotide variant.
Coding change: c.171C>T on transcript NM_017849.4 (MANE Select); coding-DNA position 171, C replaced by T.
Protein change: p.His57=; no amino-acid change (histidine 57 retained).
Molecular consequence: synonymous variant.
Genome position (GRCh38, 1-based): chr2:96,265,211, G>A on the plus strand (C>T on the coding strand, the complement: TMEM127 is on the minus strand). VCF-style: chr2-96265211-G-A. GRCh37 (hg19) VCF-style: chr2-96930949-G-A.
Other names: c.171C>T, p.His57= (NM_001193304.3).
Identifiers: ClinVar variation 750017 (VCV000750017.12), dbSNP rs1573977723, ClinGen allele CA427496320.

ClinVar aggregate classification (germline): Benign/Likely benign. Review status: criteria provided, multiple submitters, no conflicts (2 of 4 stars). 4 submissions from 4 submitters: Benign (1); Likely benign (3). Last evaluated 2026-07-29.

Conditions:
Hereditary pheochromocytoma and paraganglioma. Also called: Hereditary pheochromocytoma-paraganglioma; Hereditary paragangliomas and pheochromocytomas; Hereditary Paraganglioma-Pheochromocytoma Syndromes. Identifiers: Orphanet 29072, MedGen C4274332, MONDO:0017366.
Hereditary cancer-predisposing syndrome. Also called: Hereditary neoplastic syndrome; Neoplastic Syndromes, Hereditary; Tumor predisposition; Hereditary Cancer Syndrome. Identifiers: Orphanet 140162, MedGen C0027672, MeSH D009386, MONDO:0015356.

Allele frequency attached by ClinVar (database versions not stated): gnomAD exomes below 0.00001; TOPMed 0.00002.
gnomAD v4.1: 1 of 1,607,124 alleles (0.000062%); highest among the groups gnomAD compares: Non-Finnish European, 0.000085%; no homozygotes.

Submissions (4):

Myriad Genetics, Inc.
Classification: Benign for Hereditary pheochromocytoma and paraganglioma. Last evaluated: 2026-07-29. Review status: criteria provided, single submitter. Criteria: Myriad Autosomal Dominant, Autosomal Recessive and X-Linked Classification Criteria (2023). Collection method: clinical testing. Allele origin: unknown.
Comment: This variant is considered benign. This variant is a silent/synonymous amino acid change and it is not expected to impact splicing.

Labcorp Genetics (formerly Invitae), Labcorp
Classification: Likely benign for Hereditary pheochromocytoma and paraganglioma. Last evaluated: 2025-06-16. Review status: criteria provided, single submitter. Criteria: Invitae Variant Classification Sherloc (09022015). Collection method: clinical testing. Allele origin: germline.

Quest Diagnostics Nichols Institute San Juan Capistrano
Classification: Likely benign. Last evaluated: 2023-01-21. Review status: criteria provided, single submitter. Criteria: Quest Diagnostics criteria. Collection method: clinical testing. Allele origin: unknown.

Ambry Genetics
Classification: Likely benign for Hereditary cancer-predisposing syndrome. Last evaluated: 2022-02-16. Review status: criteria provided, single submitter. Criteria: Ambry Variant Classification Scheme 2023. Collection method: clinical testing. Allele origin: germline.